The following is an entry in ClinVar:

NM_001079802.2(FKTN):c.647+1G>A

Gene: FKTN (fukutin; plus strand). Cytogenetic location: 9q31.2.
Variant type: single nucleotide variant.
Coding change: c.647+1G>A on transcript NM_001079802.2 (MANE Select); the canonical splice donor site of the intron after coding-DNA position 647, G replaced by A.
Molecular consequence: splice donor variant.
Genome position (GRCh38, 1-based): chr9:105,604,493, G>A. VCF-style: chr9-105604493-G-A. GRCh37 (hg19) VCF-style: chr9-108366774-G-A.
Other names: c.647+1G>A (NM_006731.2, NM_001351496.2, NM_001198963.2 and 1 more transcripts); c.251+1G>A (NM_001351502.2, NM_001351499.2, NM_001351500.2 and 1 more transcripts); c.578+1G>A (NM_001351497.2).
Identifiers: ClinVar variation 1067785 (VCV001067785.7), dbSNP rs2132802825, ClinGen allele CA374332448.

ClinVar aggregate classification (germline): Likely pathogenic (1 of 4 stars; one submission).

Conditions:
Walker-Warburg congenital muscular dystrophy. Also called: Muscular dystrophy-dystroglycanopathy, type A; Walker-Warburg syndrome. Identifiers: Orphanet 899, MedGen C0265221, MONDO:0000171.

Submission:

Labcorp Genetics (formerly Invitae), Labcorp
Classification: Likely pathogenic for Walker-Warburg congenital muscular dystrophy. Last evaluated: 2020-08-05. Review status: criteria provided, single submitter. Criteria: Invitae Variant Classification Sherloc (09022015). Collection method: clinical testing. Allele origin: germline.
Comment: Algorithms developed to predict the effect of sequence changes on RNA splicing suggest that this variant may disrupt the consensus splice site, but this prediction has not been confirmed by published transcriptional studies. Donor and acceptor splice site variants typically lead to a loss of protein function (PMID: 16199547), and loss-of-function variants in FKTN are known to be pathogenic (PMID: 17044012, 17878207, 18752264). In summary, the currently available evidence indicates that the variant is pathogenic, but additional data are needed to prove that conclusively. Therefore, this variant has been classified as Likely Pathogenic. This sequence change affects a donor splice site in intron 6 of the FKTN gene. It is expected to disrupt RNA splicing and likely results in an absent or disrupted protein product. This variant is not present in population databases (ExAC no frequency). This variant has not been reported in the literature in individuals with FKTN-related conditions.

Literature cited by the submitters: PubMed 16199547; PubMed 17044012; PubMed 17878207; PubMed 18752264.